The following is an entry in ClinVar:

ClinVar aggregate classification (germline): Pathogenic (1 of 4 stars; one submission).

Conditions:
Hermansky-Pudlak syndrome 3 (HPS3). Identifiers: Orphanet 231512, Orphanet 79430, MedGen C3888001, MONDO:0013555, OMIM 614072.

Submission:

Myriad Genetics, Inc.
Classification: Pathogenic for Hermansky-Pudlak syndrome 3. Last evaluated: 2024-05-14. Review status: criteria provided, single submitter. Criteria: Myriad Autosomal Dominant, Autosomal Recessive and X-Linked Classification Criteria (2023). Collection method: clinical testing. Allele origin: unknown.
Comment: NM_032383.3(HPS3):c.676_677del2ins9(H226Tfs*4) is expected to be pathogenic in the context of Hermansky-Pudlak syndrome, HPS3-related. This variant is predicted to lead to an abnormal or absent protein product due to the creation of a premature termination codon in HPS3, a gene where loss-of-function variants are known to be pathogenic. Please note: this variant was assessed in the context of healthy population screening.

NM_032383.5(HPS3):c.676_677delinsACTGTCTCT (p.His226fs)

Gene: HPS3 (HPS3 biogenesis of lysosomal organelles complex 2 subunit 1; plus strand). Cytogenetic location: 3q24.
Variant type: Indel.
Coding change: c.676_677delinsACTGTCTCT on transcript NM_032383.5 (MANE Select); coding-DNA positions 676 to 677, CA replaced by ACTGTCTCT.
Protein change: p.His226fs; shifts the reading frame from histidine 226.
Molecular consequence: frameshift variant. On other transcripts: intron variant (1).
Genome position (GRCh38, 1-based): chr3:149,140,462-149,140,463, CA replaced by ACTGTCTCT. VCF-style: chr3-149140462-CA-ACTGTCTCT. GRCh37 (hg19) VCF-style: chr3-148858249-CA-ACTGTCTCT.
Other names: c.218-555_218-554delinsACTGTCTCT (NM_001308258.2); short protein forms H226fs.
Identifiers: ClinVar variation 5010842 (VCV005010842.1).